The following is an entry in ClinVar:

ClinVar aggregate classification (germline): Uncertain significance (1 of 4 stars; one submission).

Allele frequency attached by ClinVar (database versions not stated): TOPMed below 0.00001; gnomAD 0.00001.

Submission:

GeneDx
Classification: Uncertain significance. Last evaluated: 2023-02-09. Review status: criteria provided, single submitter. Criteria: GeneDx Variant Classification Process June 2021. Collection method: clinical testing. Allele origin: germline. Affected: yes.
Comment: Reported in a patient with hepatocellular carcinoma; however, additional clinical information and support of pathogenicity for this variant was not provided (Howell et al., 2019); Not observed at significant frequency in large population cohorts (gnomAD); In silico analysis supports that this missense variant has a deleterious effect on protein structure/function; This variant is associated with the following publications: (PMID: 31173963)

NM_006015.6(ARID1A):c.4135C>T (p.Pro1379Ser)

Gene: ARID1A (AT-rich interaction domain 1A; plus strand). Cytogenetic location: 1p36.11.
Variant type: single nucleotide variant.
Coding change: c.4135C>T on transcript NM_006015.6 (MANE Select); coding-DNA position 4135, C replaced by T.
Protein change: p.Pro1379Ser; replaces proline 1379 with serine.
Molecular consequence: missense variant. On other transcripts: intron variant (1).
Genome position (GRCh38, 1-based): chr1:26,774,362, C>T. VCF-style: chr1-26774362-C-T. GRCh37 (hg19) VCF-style: chr1-27100853-C-T.
Other names: c.4101+464C>T (NM_139135.4); short protein forms P1379S.
Identifiers: ClinVar variation 2429589 (VCV002429589.1), dbSNP rs1304804154, ClinGen allele CA339172832.